The following is an entry in ClinVar:

NM_023068.4(SIGLEC1):c.4434C>A (p.Thr1478=)

Gene: SIGLEC1 (sialic acid binding Ig like lectin 1; minus strand). Cytogenetic location: 20p13.
Variant type: single nucleotide variant.
Coding change: c.4434C>A on transcript NM_023068.4 (MANE Select); coding-DNA position 4434, C replaced by A.
Protein change: p.Thr1478=; no amino-acid change (threonine 1478 retained).
Molecular consequence: synonymous variant.
Genome position (GRCh38, 1-based): chr20:3,691,497, G>T on the plus strand (C>A on the coding strand, the complement: SIGLEC1 is on the minus strand). VCF-style: chr20-3691497-G-T. GRCh37 (hg19) VCF-style: chr20-3672144-G-T.
Other names: c.4434C>A, p.Thr1478= (NM_001367089.1).
Identifiers: ClinVar variation 2652179 (VCV002652179.24), dbSNP rs756247278, ClinGen allele CA509420264.

ClinVar aggregate classification (germline): Likely benign (1 of 4 stars; one submission).

Allele frequency attached by ClinVar (database versions not stated): gnomAD 0.00001; TOPMed 0.00001.
gnomAD v4.1: 2 of 1,613,332 alleles (0.00012%); highest among the groups gnomAD compares: African/African-American, 0.0027%; no homozygotes.

Submission:

CeGaT Center for Human Genetics Tuebingen
Classification: Likely benign. Last evaluated: 2023-02-01. Review status: criteria provided, single submitter. Criteria: CeGaT Center For Human Genetics Tuebingen Variant Classification Criteria Version 2. Collection method: clinical testing. Allele origin: germline. Affected: yes. Observed: 1 variant allele.
Comment: SIGLEC1: BP4, BP7